The following is an entry in ClinVar:

ClinVar aggregate classification (germline): Likely benign (1 of 4 stars; one submission).

Conditions:
Polyps, multiple and recurrent inflammatory fibroid, gastrointestinal. Identifiers: MedGen C5193005, MONDO:0008285, OMIM 175510.

gnomAD v4.1: 2 of 1,605,738 alleles (0.00012%); highest among the groups gnomAD compares: Non-Finnish European, 0.00017%; no homozygotes.

Submission:

Myriad Genetics, Inc.
Classification: Likely benign for Polyps, multiple and recurrent inflammatory fibroid, gastrointestinal. Last evaluated: 2026-06-12. Review status: criteria provided, single submitter. Criteria: Myriad Autosomal Dominant, Autosomal Recessive and X-Linked Classification Criteria (2023). Collection method: clinical testing. Allele origin: unknown.
Comment: This variant is considered likely benign. This variant is intronic and is not expected to impact mRNA splicing.

NM_006206.6(PDGFRA):c.-12-3T>C

Gene: PDGFRA (platelet derived growth factor receptor alpha; plus strand). Cytogenetic location: 4q12.
Variant type: single nucleotide variant.
Coding change: c.-12-3T>C on transcript NM_006206.6 (MANE Select); 3 bases into the intron before 12 bases upstream of the start codon, T replaced by C.
Molecular consequence: intron variant.
Genome position (GRCh38, 1-based): chr4:54,258,754, T>C. VCF-style: chr4-54258754-T-C. GRCh37 (hg19) VCF-style: chr4-55124921-T-C.
Other names: c.64-3T>C (NM_001347828.2); c.-12-3T>C (NM_001347827.2, NM_001347829.2); c.28-3T>C (NM_001347830.2).
Identifiers: ClinVar variation 4875935 (VCV004875935.1).